The following is an entry in ClinVar:

ClinVar aggregate classification (germline): Uncertain significance (1 of 4 stars; one submission).

Conditions:
TRMT10C-related disorder. Also called: TRMT10C-related condition.

gnomAD v4.1: 21 of 1,613,984 alleles (0.0013%); highest among the groups gnomAD compares: Middle Eastern, 0.016%; no homozygotes.

Submission:

PreventionGenetics, part of Exact Sciences
Classification: Uncertain significance for TRMT10C-related condition. Last evaluated: 2026-01-05. Review status: criteria provided, single submitter. Criteria: ACMG Guidelines, 2015. Collection method: clinical testing. Allele origin: germline.
Comment: The TRMT10C c.650G>A variant is predicted to result in the amino acid substitution p.Arg217Gln. To our knowledge, this variant has not been reported in the literature. This variant is reported in 0.013% of alleles in individuals of African descent in gnomAD. At this time, the clinical significance of this variant is uncertain due to the absence of conclusive functional and genetic evidence.

NM_017819.4(TRMT10C):c.650G>A (p.Arg217Gln)

Gene: TRMT10C (tRNA methyltransferase 10C, mitochondrial RNase P subunit; plus strand). Cytogenetic location: 3q12.3.
Variant type: single nucleotide variant.
Coding change: c.650G>A on transcript NM_017819.4 (MANE Select); coding-DNA position 650, G replaced by A.
Protein change: p.Arg217Gln; replaces arginine 217 with glutamine.
Molecular consequence: missense variant.
Genome position (GRCh38, 1-based): chr3:101,565,431, G>A. VCF-style: chr3-101565431-G-A. GRCh37 (hg19) VCF-style: chr3-101284275-G-A.
Other names: short protein forms R217Q.
Identifiers: ClinVar variation 4980011 (VCV004980011.1).